The following is an entry in ClinVar:

ClinVar aggregate classification (germline): Uncertain significance (1 of 4 stars; one submission).

Conditions:
Hereditary cancer-predisposing syndrome. Also called: Tumor predisposition; Neoplastic Syndromes, Hereditary; Hereditary Cancer Syndrome; Hereditary neoplastic syndrome. Identifiers: Orphanet 140162, MedGen C0027672, MeSH D009386, MONDO:0015356.

Submission:

Ambry Genetics
Classification: Uncertain significance for Hereditary cancer-predisposing syndrome. Last evaluated: 2024-09-01. Review status: criteria provided, single submitter. Criteria: Ambry Variant Classification Scheme 2023. Collection method: clinical testing. Allele origin: germline.
Comment: The p.L90V variant (also known as c.268C>G), located in coding exon 3 of the FANCC gene, results from a C to G substitution at nucleotide position 268. The leucine at codon 90 is replaced by valine, an amino acid with highly similar properties. This amino acid position is conserved. In addition, this alteration is predicted to be tolerated by in silico analysis. Based on the available evidence, the clinical significance of this variant remains unclear.

NM_000136.3(FANCC):c.268C>G (p.Leu90Val)

Gene: FANCC (FA complementation group C; minus strand). Cytogenetic location: 9q22.32.
Variant type: single nucleotide variant.
Coding change: c.268C>G on transcript NM_000136.3 (MANE Select); coding-DNA position 268, C replaced by G.
Protein change: p.Leu90Val; replaces leucine 90 with valine.
Molecular consequence: missense variant.
Genome position (GRCh38, 1-based): chr9:95,240,726, G>C on the plus strand (C>G on the coding strand, the complement: FANCC is on the minus strand). VCF-style: chr9-95240726-G-C. GRCh37 (hg19) VCF-style: chr9-98003008-G-C.
Other names: c.268C>G, p.Leu90Val (NM_001243743.2, NM_001243744.2); short protein forms L90V.
Identifiers: ClinVar variation 3512756 (VCV003512756.1).
Genomic context (GRCh38, chr9:95,240,726, plus strand): 5'-GTTTTGATTGTCCAGAATTCTGTGGTTCTTTGTTAATTAGACAACATAAGCACCATATTA[G>C]AATTTTTTGGCTTTCATCTACAAAAAGGAAAACTTAATAAGTTTTATCAAGCAGAAAAAA-3'
Protein context (NP_000127.2, residues 80-100): ILAYDESQKI[Leu90Val]IWCLCCLINK